The following is an entry in ClinVar:

ClinVar aggregate classification (germline): Pathogenic/Likely pathogenic. Review status: criteria provided, multiple submitters, no conflicts (2 of 4 stars). 6 submissions from 6 submitters: Pathogenic (4); Likely pathogenic (1). 1 of the submissions does not count toward it. Last evaluated 2024-04-04.

Conditions:
Muscular dystrophy-dystroglycanopathy (congenital with impaired intellectual development), type B, 1. Also called: MUSCULAR DYSTROPHY, CONGENITAL, POMT1-RELATED; Muscular dystrophy-dystroglycanopathy (congenital with intellectual disability), type B1. Identifiers: MedGen C5436962, MONDO:0013159, OMIM 613155.
Autosomal recessive limb-girdle muscular dystrophy type 2K. Also called: MUSCULAR DYSTROPHY-DYSTROGLYCANOPATHY (LIMB-GIRDLE), TYPE C, 1; MUSCULAR DYSTROPHY, LIMB-GIRDLE, TYPE 2K. Identifiers: Orphanet 86812, MedGen C1836373, MONDO:0012248, OMIM 609308.
Muscular dystrophy-dystroglycanopathy (congenital with brain and eye anomalies), type A1 (MDDGA1). Also called: Muscular dystrophy-dystroglycanopathy (congenital with brain and eye anomalies), type A, 1; Hydrocephalus, agyria and retinal dysplasia; Hard +/- E syndrome; Warburg syndrome; Chemke syndrome; Pagon syndrome. Identifiers: Orphanet 588, Orphanet 899, MedGen C4284790, MONDO:0009364, OMIM 236670.

Submissions (6):

Genomic Medicine Center of Excellence, King Faisal Specialist Hospital and Research Centre
Classification: Likely pathogenic for Muscular dystrophy-dystroglycanopathy (congenital with brain and eye anomalies), type A1. Last evaluated: 2024-04-04. Review status: criteria provided, single submitter. Criteria: ACMG Guidelines, 2015. Collection method: clinical testing. Allele origin: germline.

Fulgent Genetics
Classification: Pathogenic for Muscular dystrophy-dystroglycanopathy (congenital with brain and eye anomalies), type A1; Autosomal recessive limb-girdle muscular dystrophy type 2K; Muscular dystrophy-dystroglycanopathy (congenital with impaired intellectual development), type B, 1. Last evaluated: 2024-03-08. Review status: criteria provided, single submitter. Criteria: ACMG Guidelines, 2015. Collection method: clinical testing. Allele origin: germline.

Broad Center for Mendelian Genomics, Broad Institute of MIT and Harvard
Classification: Pathogenic for Muscular dystrophy-dystroglycanopathy (congenital with impaired intellectual development), type B, 1. Last evaluated: 2017-06-26. Review status: criteria provided, single submitter. Criteria: ACMG Guidelines, 2015. Collection method: research. Allele origin: germline. Inheritance: Autosomal recessive inheritance. Affected: yes. Observed: 1 variant allele. Study: Broad Institute Center for Mendelian Genomics (CMG).
Comment: PVS1: Homozygous frameshift in gene where PTVs known to cause disease for autosomal recessive condition. Previously reported in 2 unrelated individuals (PMID: 17878207). 1 heterozygote in gnomAD.

GeneDx
Classification: Pathogenic. Last evaluated: 2016-06-24. Review status: criteria provided, single submitter. Criteria: GeneDx Variant Classification (06012015). Collection method: clinical testing. Allele origin: germline. Affected: yes.
Comment: The c.2179_2180delTC pathogenic variant in the POMT1 gene has been reported previously in association with POMT1-related disorders, including Walker-Warburg Syndrome, Muscle-Eye-Brain disease and Fukuyama congenital muscular dystrophy (Godfrey et al., 2007). Homozygosity for this pathogenic variant is consistent with one of these disorders. The deletion causes a frameshift starting with codon Serine 727, changes this amino acid to an Alanine residue, and creates a premature Stop codon at position 3 of the new reading frame, denoted p.Ser727AlafsX3. This pathogenic variant is predicted to cause protein truncation and loss of normal protein function. The variant is found in POMT1 panel(s).

Pathology and Clinical Laboratory Medicine, King Fahad Medical City
Classification: Pathogenic for Muscular dystrophy-dystroglycanopathy (congenital with brain and eye anomalies), type A1. Review status: criteria provided, single submitter. Criteria: ACMG Guidelines, 2015. Collection method: clinical testing. Allele origin: germline. Affected: yes. Observed: 2 variant alleles.

OMIM
Classification: Pathogenic for MUSCULAR DYSTROPHY-DYSTROGLYCANOPATHY (CONGENITAL WITH EYE AND BRAIN ANOMALIES), TYPE A, 1. Last evaluated: 2007-10-01. Review status: no assertion criteria provided. Collection method: literature only. Allele origin: germline. Not counted in ClinVar's aggregate classification.

Literature cited by the submitters: PubMed 17878207 (cited by Broad Center for Mendelian Genomics, Broad Institute of MIT and Harvard and OMIM).

NM_001077365.2(POMT1):c.2113_2114del (p.Ser705fs)

Gene: POMT1 (protein O-mannosyltransferase 1; plus strand). Cytogenetic location: 9q34.13.
Variant type: Microsatellite.
Coding change: c.2113_2114del on transcript NM_001077365.2 (MANE Select); coding-DNA positions 2113 to 2114, 2 bases deleted (TC; older notation c.2113_2114delTC).
Protein change: p.Ser705fs; shifts the reading frame from serine 705.
Molecular consequence: frameshift variant. On other transcripts: non-coding transcript variant (10).
Genome position (GRCh38, 1-based): chr9:131,523,041-131,523,042, TC deleted; deleting any 2 consecutive bases within chr9:131,523,038-131,523,042 gives the same sequence; the c. name uses the placement nearest the transcript's 3' end. VCF-style (leftmost placement, unchanged base first): chr9-131523037-ACT-A. GRCh37 (hg19) VCF-style: chr9-134398424-ACT-A.
Other names: c.1951_1952del, p.Ser651fs (NM_001353194.2, NM_001077366.2); c.1762_1763del, p.Ser588fs (NM_001353195.2, NM_001374691.1, NM_001374692.1 and 2 more transcripts); c.2023_2024del, p.Ser675fs (NM_001353196.2); c.2017_2018del, p.Ser673fs (NM_001353197.2, NM_001353198.2); c.1828_1829del, p.Ser610fs (NM_001353199.2); c.1657_1658del, p.Ser553fs (NM_001353200.2); c.2101_2102del, p.Ser701fs (NM_001374689.1); c.1894_1895del, p.Ser632fs (NM_001374690.1); and 4 more; short protein forms S632fs, S651fs, S673fs, S675fs, S727fs, S553fs, S610fs, S705fs.
Identifiers: ClinVar variation 3252 (VCV000003252.5), dbSNP rs587777819, ClinGen allele CA278047.
Genomic context (GRCh38, chr9:131,523,037, plus strand): 5'-GTACTCCTCCGCGTGCCACGTGTCCAACACGCTGCGCCCACTCACCTACGGGGACAAGTC[ACT>A]CTCGCCACATGAACTCAAGGCCCTTCGCTGGAAAGACAGCTGGGACATCTTGATCCGAAA-3'